The following is an entry in ClinVar:

NM_033310.3(KCNK4):c.801+7_801+16del

Genes: KCNK4 (potassium two pore domain channel subfamily K member 4; plus strand), KCNK4-CATSPERZ (KCNK4-CATSPERZ readthrough (NMD candidate); plus strand). Cytogenetic location: 11q13.1.
Variant type: Deletion.
Coding change: c.801+7_801+16del on transcript NM_033310.3 (MANE Select); bases 7 to 16 of the intron after coding-DNA position 801, 10 bases deleted (GCCCCAGGGT; older notation c.801+7_801+16delGCCCCAGGGT).
Molecular consequence: intron variant.
Genome position (GRCh38, 1-based): chr11:64,298,256-64,298,265, GCCCCAGGGT deleted. VCF-style (leftmost placement, unchanged base first): chr11-64298255-CGCCCCAGGGT-C. GRCh37 (hg19) VCF-style: chr11-64065727-CGCCCCAGGGT-C.
Other names: c.801+7_801+16del (NM_001317090.2).
Identifiers: ClinVar variation 1559495 (VCV001559495.31), dbSNP rs563294455, ClinGen allele CA6073176.
Genomic context (GRCh38, chr11:64,298,255, plus strand): 5'-GCTCACCACCATCGGGAACTGGCTGCGAGTAGTGTCCCGCCGCACTCGGGCAGAGGTAGG[CGCCCCAGGGT>C]TGGCACTGTGCCTGCGCACTGTGGTGCAAATGTGCTGTTCCCTAGCAGGGGGTTGATCAG-3'

ClinVar aggregate classification (germline): Benign. Review status: criteria provided, multiple submitters, no conflicts (2 of 4 stars). 2 submissions from 2 submitters: Benign (2). Last evaluated 2026-01-28.

Allele frequency attached by ClinVar (database versions not stated): 1000 Genomes Project 0.00080; gnomAD exomes 0.00104 and 0.00187; gnomAD 0.00179 and 0.00188; ESP Exome Variant Server 0.00032; TOPMed 0.00051; 1000 Genomes Project 30x 0.00078; ExAC 0.00195.

Submissions (2):

Labcorp Genetics (formerly Invitae), Labcorp
Classification: Benign. Last evaluated: 2026-01-28. Review status: criteria provided, single submitter. Criteria: Invitae Variant Classification Sherloc (09022015). Collection method: clinical testing. Allele origin: germline.

CeGaT Center for Human Genetics Tuebingen
Classification: Benign. Last evaluated: 2024-01-01. Review status: criteria provided, single submitter. Criteria: CeGaT Center For Human Genetics Tuebingen Variant Classification Criteria Version 2. Collection method: clinical testing. Allele origin: germline. Affected: yes. Observed: 4 variant alleles.
Comment: KCNK4: BP4, BS1, BS2